The following is an entry in ClinVar:

NM_000038.6(APC):c.2845_2846dup (p.Met949fs)

Gene: APC (APC regulator of Wnt signaling pathway; plus strand). Cytogenetic location: 5q22.2.
Variant type: Duplication.
Coding change: c.2845_2846dup on transcript NM_000038.6 (MANE Select); coding-DNA positions 2845 to 2846, 2 bases duplicated (AT; older notation c.2845_2846dupAT).
Protein change: p.Met949fs; shifts the reading frame from methionine 949.
Molecular consequence: frameshift variant. On other transcripts: non-coding transcript variant (2).
Genome position (GRCh38, 1-based): chr5:112,838,439-112,838,440, AT duplicated; duplicating any 2 consecutive bases within chr5:112,838,438-112,838,440 gives the same sequence; the c. name uses the placement nearest the transcript's 3' end. VCF-style (leftmost placement, unchanged base first): chr5-112838437-C-CTA. GRCh37 (hg19) VCF-style: chr5-112174134-C-CTA.
Other names: c.2845_2846dup, p.Met949fs (NM_001127510.3, NM_001354895.2, NM_001407450.1); c.2791_2792dup, p.Met931fs (NM_001127511.3); c.2899_2900dup, p.Met967fs (NM_001354896.2, NM_001407447.1, NM_001407448.1 and 1 more transcripts); c.2875_2876dup, p.Met959fs (NM_001354897.2); c.2770_2771dup, p.Met924fs (NM_001354898.2); c.2761_2762dup, p.Met921fs (NM_001354899.2); c.2722_2723dup, p.Met908fs (NM_001354900.2); c.2668_2669dup, p.Met890fs (NM_001354901.2, NM_001407453.1); and 11 more; short protein forms M565fs, M666fs, M789fs, M820fs, M823fs, M848fs, M858fs, M866fs.
Identifiers: ClinVar variation 2584106 (VCV002584106.4), dbSNP rs2533454040, ClinGen allele CA2582341435.

ClinVar aggregate classification (germline): Pathogenic. Review status: criteria provided, multiple submitters, no conflicts (2 of 4 stars). 2 submissions from 2 submitters: Pathogenic (2). Last evaluated 2023-08-30.

Conditions:
Familial adenomatous polyposis 1 (FAP1). Also called: FAMILIAL ADENOMATOUS POLYPOSIS 1, ATTENUATED; POLYPOSIS, ADENOMATOUS INTESTINAL. Identifiers: MedGen C2713442, MONDO:0021056, OMIM 175100. Disease mechanism: loss of function.

Submissions (2):

Labcorp Genetics (formerly Invitae), Labcorp
Classification: Pathogenic for Familial adenomatous polyposis 1. Last evaluated: 2023-08-30. Review status: criteria provided, single submitter. Criteria: Invitae Variant Classification Sherloc (09022015). Collection method: clinical testing. Allele origin: germline.
Comment: This sequence change creates a premature translational stop signal (p.Met949Ilefs*7) in the APC gene. While this is not anticipated to result in nonsense mediated decay, it is expected to disrupt the last 1895 amino acid(s) of the APC protein. This variant is not present in population databases (gnomAD no frequency). This variant has not been reported in the literature in individuals affected with APC-related conditions. A different truncation (p.Tyr2645Lysfs*14) that lies downstream of this variant has been determined to be pathogenic (PMID: 9824584, 1316610, 27081525, 8381579, 22135120, Invitae). This suggests that deletion of this region of the APC protein is causative of disease. For these reasons, this variant has been classified as Pathogenic. This variant is expected to disrupt the EB1 and HDLG binding sites, which mediate interactions with the cytoskeleton (PMID: 15311282, 17293347). While functional studies have not been performed to directly test the effect on APC protein function, this suggests that disruption of the C-terminal portion of the protein is functionally important.

Myriad Genetics, Inc.
Classification: Pathogenic for Familial adenomatous polyposis 1. Last evaluated: 2023-05-05. Review status: criteria provided, single submitter. Criteria: Myriad Autosomal Dominant, Autosomal Recessive and X-Linked Classification Criteria (2023). Collection method: clinical testing. Allele origin: unknown.
Comment: This variant is considered pathogenic. This variant creates a frameshift predicted to result in premature protein truncation.

Literature cited by the submitters: PubMed 9824584 (cited by Labcorp Genetics (formerly Invitae), Labcorp); PubMed 1316610 (cited by Labcorp Genetics (formerly Invitae), Labcorp); PubMed 27081525 (cited by Labcorp Genetics (formerly Invitae), Labcorp); PubMed 8381579 (cited by Labcorp Genetics (formerly Invitae), Labcorp); PubMed 22135120 (cited by Labcorp Genetics (formerly Invitae), Labcorp); PubMed 15311282 (cited by Labcorp Genetics (formerly Invitae), Labcorp); PubMed 17293347 (cited by Labcorp Genetics (formerly Invitae), Labcorp).